The following is an entry in ClinVar:

NM_000384.3(APOB):c.11764C>G (p.Gln3922Glu)

Gene: APOB (apolipoprotein B; minus strand). Cytogenetic location: 2p24.1.
Variant type: single nucleotide variant.
Coding change: c.11764C>G on transcript NM_000384.3 (MANE Select); coding-DNA position 11764, C replaced by G.
Protein change: p.Gln3922Glu; replaces glutamine 3922 with glutamic acid.
Molecular consequence: missense variant.
Genome position (GRCh38, 1-based): chr2:21,005,104, G>C on the plus strand (C>G on the coding strand, the complement: APOB is on the minus strand). VCF-style: chr2-21005104-G-C. GRCh37 (hg19) VCF-style: chr2-21227976-G-C.
Other names: c.11764C>G (NM_000384.2); short protein forms Q3922E.
Identifiers: ClinVar variation 2040308 (VCV002040308.13), dbSNP rs778476070, ClinGen allele CA047342.

ClinVar aggregate classification (germline): Conflicting classifications of pathogenicity. Review status: criteria provided, conflicting classifications (1 of 4 stars). 3 submissions from 3 submitters: Uncertain significance (2); Likely benign (1). Last evaluated 2026-01-27.

Conditions:
Cardiovascular phenotype. Identifiers: MedGen CN230736.
Familial hypobetalipoproteinemia 1. Also called: Hypobetalipoproteinemia, normotriglyceridemic; Acanthocytosis with hypobetalipoproteinemia; APOB-Related Familial Hypobetalipoproteinemia. Identifiers: MedGen C4551990, MONDO:0014252, OMIM 615558.
Hypercholesterolemia, autosomal dominant, type B (FHCL2). Also called: Familial Hypercholesterolemia Type B; APOLIPOPROTEIN B-100, FAMILIAL DEFECTIVE; APOLIPOPROTEIN B-100, FAMILIAL LIGAND-DEFECTIVE; HYPERCHOLESTEROLEMIA, FAMILIAL, DUE TO LIGAND-DEFECTIVE APOLIPOPROTEIN B; Familial hypercholesterolemia 2; APOB-Related Familial Hypercholesterolemia, Autosomal Dominant. Identifiers: MedGen C1704417, MONDO:0007751, OMIM 144010.

Allele frequency attached by ClinVar (database versions not stated): gnomAD exomes below 0.00001; ExAC 0.00001; TOPMed 0.00002; gnomAD 0.00003.
gnomAD v4.1: 6 of 1,613,826 alleles (0.00037%); highest among the groups gnomAD compares: African/African-American, 0.0053%; no homozygotes.

Submissions (3):

Labcorp Genetics (formerly Invitae), Labcorp
Classification: Likely benign for Familial hypobetalipoproteinemia 1; Hypercholesterolemia, autosomal dominant, type B. Last evaluated: 2026-01-27. Review status: criteria provided, single submitter. Criteria: Invitae Variant Classification Sherloc (09022015). Collection method: clinical testing. Allele origin: germline.

Ambry Genetics
Classification: Uncertain significance for Cardiovascular phenotype. Last evaluated: 2025-11-24. Review status: criteria provided, single submitter. Criteria: Ambry Variant Classification Scheme 2023. Collection method: clinical testing. Allele origin: germline.
Comment: The p.Q3922E variant (also known as c.11764C>G), located in coding exon 26 of the APOB gene, results from a C to G substitution at nucleotide position 11764. The glutamine at codon 3922 is replaced by glutamic acid, an amino acid with highly similar properties. This amino acid position is conserved. In addition, this alteration is predicted to be tolerated by in silico analysis. Based on the available evidence, the clinical significance of this variant remains unclear.

CeGaT Center for Human Genetics Tuebingen
Classification: Uncertain significance. Last evaluated: 2025-08-01. Review status: criteria provided, single submitter. Criteria: CeGaT Center For Human Genetics Tuebingen Variant Classification Criteria Version 2. Collection method: clinical testing. Allele origin: germline. Affected: yes. Observed: 1 variant allele.